The following is an entry in ClinVar:

NM_144997.7(FLCN):c.346C>A (p.Gln116Lys)

Gene: FLCN (folliculin; minus strand). Cytogenetic location: 17p11.2.
Variant type: single nucleotide variant.
Coding change: c.346C>A on transcript NM_144997.7 (MANE Select); coding-DNA position 346, C replaced by A.
Protein change: p.Gln116Lys; replaces glutamine 116 with lysine.
Molecular consequence: missense variant.
Genome position (GRCh38, 1-based): chr17:17,226,226, G>T on the plus strand (C>A on the coding strand, the complement: FLCN is on the minus strand). VCF-style: chr17-17226226-G-T. GRCh37 (hg19) VCF-style: chr17-17129540-G-T.
Other names: c.346C>A (LRG_325t1); c.346C>A, p.Gln116Lys (NM_001353229.2, NM_001353230.2, NM_001353231.2 and 1 more transcripts); short protein forms Q116K.
Identifiers: ClinVar variation 485596 (VCV000485596.24), dbSNP rs398124536, ClinGen allele CA8416449.
Genomic context (GRCh38, chr17:17,226,226, plus strand): 5'-CAAGGCTCACCTCACAGCTCAGGCTCCGGACACAGGCCTGGCGGACAATGCTGAAGAGCT[G>T]GGGGTGGCTGGGGTGCTGGTGGCTGACGTATTTAATGGAGGTCTCTTTATCATGGCTGAT-3'
Protein context (NP_659434.2, residues 106-126): YVSHQHPSHP[Gln116Lys]LFSIVRQACV

ClinVar aggregate classification (germline): Conflicting classifications of pathogenicity. Review status: criteria provided, conflicting classifications (1 of 4 stars). 10 submissions from 10 submitters: Uncertain significance (6); Likely benign (3). 1 of the submissions does not count toward it. Last evaluated 2026-01-18.

Conditions:
Birt-Hogg-Dube syndrome. Also called: Birt Hogg Dubé syndrome. Identifiers: Orphanet 122, MedGen C0346010, MONDO:0800444.
Birt-Hogg-Dube syndrome 1 (BHD1). Also called: FIBROFOLLICULOMAS WITH TRICHODISCOMAS AND ACROCHORDONS. Identifiers: Orphanet 122, MedGen CN375946, MONDO:0800445, OMIM 135150.
Colorectal cancer. Also called: Colorectal cancer, somatic; Malignant Colorectal Neoplasm. Identifiers: MedGen C0346629, MONDO:0005575, OMIM 114500.
Nonpapillary renal cell carcinoma. Identifiers: Orphanet 422526, MedGen CN074294, MONDO:0007763, OMIM 144700.
Familial spontaneous pneumothorax (PSP). Identifiers: Orphanet 2903, MedGen C1868193, MONDO:0008259, OMIM 173600.
FLCN-related disorder. Also called: FLCN-related condition.
Hereditary cancer-predisposing syndrome. Also called: Hereditary neoplastic syndrome; Neoplastic Syndromes, Hereditary; Tumor predisposition; Hereditary Cancer Syndrome. Identifiers: Orphanet 140162, MedGen C0027672, MeSH D009386, MONDO:0015356.

Allele frequency attached by ClinVar (database versions not stated): TOPMed 0.00003; gnomAD 0.00005; ExAC 0.00006; gnomAD exomes 0.00006.
gnomAD v4.1: 89 of 1,614,022 alleles (0.0055%); highest among the groups gnomAD compares: Non-Finnish European, 0.007%; no homozygotes.

Submissions (10):

Labcorp Genetics (formerly Invitae), Labcorp
Classification: Uncertain significance for Birt-Hogg-Dube syndrome. Last evaluated: 2026-01-18. Review status: criteria provided, single submitter. Criteria: Invitae Variant Classification Sherloc (09022015). Collection method: clinical testing. Allele origin: germline.
Comment: This sequence change replaces glutamine, which is neutral and polar, with lysine, which is basic and polar, at codon 116 of the FLCN protein (p.Gln116Lys). This variant is present in population databases (rs398124536, gnomAD 0.01%), and has an allele count higher than expected for a pathogenic variant. This variant has not been reported in the literature in individuals affected with FLCN-related conditions. ClinVar contains an entry for this variant (Variation ID: 485596). Invitae Evidence Modeling of protein sequence and biophysical properties (such as structural, functional, and spatial information, amino acid conservation, physicochemical variation, residue mobility, and thermodynamic stability) indicates that this missense variant is not expected to disrupt FLCN protein function with a negative predictive value of 80%. In summary, the available evidence is currently insufficient to determine the role of this variant in disease. Therefore, it has been classified as a Variant of Uncertain Significance.

Center for Genomic Medicine, Rigshospitalet, Copenhagen University Hospital
Classification: Uncertain significance. Last evaluated: 2025-12-29. Review status: criteria provided, single submitter. Criteria: ACMG Guidelines, 2015. Collection method: clinical testing. Allele origin: germline.

Laboratory of Genetics, Children's Clinical University Hospital Latvia
Classification: Likely benign. Last evaluated: 2025-02-16. Review status: criteria provided, single submitter. Criteria: ACMG Guidelines, 2015. Collection method: clinical testing. Allele origin: germline. Affected: yes.

Myriad Genetics, Inc.
Classification: Likely benign for Birt-Hogg-Dube syndrome 1. Last evaluated: 2024-10-22. Review status: criteria provided, single submitter. Criteria: Myriad Autosomal Dominant, Autosomal Recessive and X-Linked Classification Criteria (2023). Collection method: clinical testing. Allele origin: unknown.
Comment: This variant is considered likely benign. This variant has been observed at a population frequency that is significantly greater than expected given the associated disease prevalence and penetrance.

Fulgent Genetics
Classification: Uncertain significance for Colorectal cancer; Birt-Hogg-Dube syndrome 1; Nonpapillary renal cell carcinoma; Familial spontaneous pneumothorax. Last evaluated: 2024-03-05. Review status: criteria provided, single submitter. Criteria: ACMG Guidelines, 2015. Collection method: clinical testing. Allele origin: germline.

GeneDx
Classification: Uncertain significance. Last evaluated: 2023-09-06. Review status: criteria provided, single submitter. Criteria: GeneDx Variant Classification Process June 2021. Collection method: clinical testing. Allele origin: germline. Affected: yes.
Comment: In silico analysis supports that this missense variant does not alter protein structure/function; Has not been previously published as pathogenic or benign to our knowledge

St. Jude Molecular Pathology, St. Jude Children's Research Hospital
Classification: Uncertain significance for Birt-Hogg-Dube syndrome 1. Last evaluated: 2022-07-07. Review status: criteria provided, single submitter. Criteria: St. Jude Assertion Criteria 2020. Collection method: clinical testing. Allele origin: germline.
Comment: The FLCN c.346C>A (p.Gln116Lys) missense change has a maximum frequency of 0.010% in gnomAD v2.1.1. The in silico tool REVEL is inconclusive about a pathogenic or benign effect of this variant on protein function, and to our knowledge functional studies have not been performed. To our knowledge, this variant has not been reported in individuals with Birt-Hogg-Dubé syndrome. In summary, the evidence currently available is insufficient to determine the clinical significance of this variant. It has therefore been classified as of uncertain significance.

Institute for Clinical Genetics, University Hospital TU Dresden, University Hospital TU Dresden
Classification: Uncertain significance. Last evaluated: 2021-11-03. Review status: criteria provided, single submitter. Criteria: ACMG Guidelines, 2015. Collection method: clinical testing. Allele origin: germline.

Ambry Genetics
Classification: Likely benign for Hereditary cancer-predisposing syndrome. Last evaluated: 2019-10-29. Review status: criteria provided, single submitter. Criteria: Ambry Variant Classification Scheme 2023. Collection method: clinical testing. Allele origin: germline.

PreventionGenetics, part of Exact Sciences
Classification: Uncertain significance for FLCN-related condition. Last evaluated: 2023-11-06. Review status: no assertion criteria provided. Collection method: clinical testing. Allele origin: germline. Not counted in ClinVar's aggregate classification.
Comment: The FLCN c.346C>A variant is predicted to result in the amino acid substitution p.Gln116Lys. To our knowledge, this variant has not been reported in the literature. This variant is reported in 0.010% of alleles in individuals of European (Non-Finnish) descent in gnomAD. It is interpreted as likely benign and uncertain significance in ClinVar. At this time, the clinical significance of this variant is uncertain due to the absence of conclusive functional and genetic evidence.